The following is an entry in ClinVar:

ClinVar aggregate classification (germline): Likely pathogenic (1 of 4 stars; one submission).

Submission:

Dasa
Classification: Likely pathogenic. Last evaluated: 2024-07-22. Review status: criteria provided, single submitter. Criteria: DASA Assertion Criteria. Collection method: clinical testing. Allele origin: germline.
Comment: NM_001370658.1(BTD):c.902G>A (p.Trp301*) introduces a premature termination codon predicted to result in loss of normal protein function. Loss-of-function is an established mechanism of disease for this gene. Multiple computational predictions support a deleterious effect on the gene or gene product. Based on the available data, this variant is classified as likely pathogenic.

NM_001370658.1(BTD):c.902G>A (p.Trp301Ter)

Gene: BTD (biotinidase; plus strand). Cytogenetic location: 3p25.1.
Variant type: single nucleotide variant.
Coding change: c.902G>A on transcript NM_001370658.1 (MANE Select); coding-DNA position 902, G replaced by A.
Protein change: p.Trp301Ter; replaces tryptophan 301 with a stop codon.
Molecular consequence: nonsense. On other transcripts: intron variant (6).
Genome position (GRCh38, 1-based): chr3:15,644,818, G>A. VCF-style: chr3-15644818-G-A. GRCh37 (hg19) VCF-style: chr3-15686325-G-A.
Other names: c.902G>A, p.Trp301Ter (NM_001281723.4, NM_001281724.3, NM_001281725.3 and 18 more transcripts); c.399+2761G>A (NM_001370753.1, NM_001407400.1, NM_001407401.1 and 3 more transcripts); short protein forms W301*.
Identifiers: ClinVar variation 4851785 (VCV004851785.1).